The following is an entry in ClinVar:

NM_000363.5(TNNI3):c.319G>T (p.Val107Leu)

Gene: TNNI3 (troponin I3, cardiac type; minus strand). Cytogenetic location: 19q13.42.
Variant type: single nucleotide variant.
Coding change: c.319G>T on transcript NM_000363.5 (MANE Select); coding-DNA position 319, G replaced by T.
Protein change: p.Val107Leu; replaces valine 107 with leucine.
Molecular consequence: missense variant.
Genome position (GRCh38, 1-based): chr19:55,154,794, C>A on the plus strand (G>T on the coding strand, the complement: TNNI3 is on the minus strand). VCF-style: chr19-55154794-C-A. GRCh37 (hg19) VCF-style: chr19-55666162-C-A.
Other names: short protein forms V107L.
Identifiers: ClinVar variation 3069390 (VCV003069390.3), dbSNP rs796263259, ClinGen allele CA407441086.

ClinVar aggregate classification (germline): Uncertain significance. Review status: criteria provided, multiple submitters, no conflicts (2 of 4 stars). 2 submissions from 2 submitters: Uncertain significance (2). Last evaluated 2024-09-26.

Conditions:
Hypertrophic cardiomyopathy. Also called: HYPERTROPHIC MYOCARDIOPATHY. Identifiers: Orphanet 217569, MedGen C0007194, MeSH D002312, MONDO:0005045, HP:0001639.
Cardiomyopathy (CMYO). Also called: Cardiomyopathies. Identifiers: Orphanet 167848, MedGen C0878544, MONDO:0004994, HP:0001638. Inheritance: Various modes of inheritance.

Allele frequency attached by ClinVar (database versions not stated): gnomAD exomes below 0.00001.
gnomAD v4.1: 1 of 1,614,230 alleles (0.000062%); highest among the groups gnomAD compares: Non-Finnish European, 0.000085%; no homozygotes.

Submissions (2):

All of Us Research Program, National Institutes of Health
Classification: Uncertain significance for Hypertrophic cardiomyopathy. Last evaluated: 2024-09-26. Review status: criteria provided, single submitter. Criteria: ACMG Guidelines, 2015. Collection method: clinical testing. Allele origin: germline. Inheritance: Autosomal dominant inheritance. Observed: 1 variant allele, 1 heterozygote.
Comment: This missense variant replaces valine with leucine at codon 107 of the TNNI3 protein. Computational prediction suggests that this variant may not impact protein structure and function (internally defined REVEL score threshold <= 0.5, PMID: 27666373). To our knowledge, functional studies have not been reported for this variant. This variant has not been reported in individuals affected with cardiovascular disorders in the literature. This variant has not been identified in the general population by the Genome Aggregation Database (gnomAD). The available evidence is insufficient to determine the role of this variant in disease conclusively. Therefore, this variant is classified as a Variant of Uncertain Significance.

This study involves interpretation of variants in research participants for the purpose of population health screening. Participant phenotype was not available at the time of variant classification. Additional details can be found in publication PMID: 35346344, PMCID: PMC8962531

Color Diagnostics, LLC DBA Color Health
Classification: Uncertain significance for Cardiomyopathy. Last evaluated: 2024-03-21. Review status: criteria provided, single submitter. Criteria: ACMG Guidelines, 2015. Collection method: clinical testing. Allele origin: germline.
Comment: This missense variant replaces valine with leucine at codon 107 of the TNNI3 protein. Computational prediction suggests that this variant may not impact protein structure and function. To our knowledge, functional studies have not been reported for this variant. This variant has not been reported in individuals affected with cardiovascular disorders in the literature. This variant has not been identified in the general population by the Genome Aggregation Database (gnomAD). The available evidence is insufficient to determine the role of this variant in disease conclusively. Therefore, this variant is classified as a Variant of Uncertain Significance.